The following is an entry in ClinVar:

NM_000138.5(FBN1):c.7577A>G (p.Asn2526Ser)

Gene: FBN1 (fibrillin 1; minus strand). Cytogenetic location: 15q21.1.
Variant type: single nucleotide variant.
Coding change: c.7577A>G on transcript NM_000138.5 (MANE Select); coding-DNA position 7577, A replaced by G.
Protein change: p.Asn2526Ser; replaces asparagine 2526 with serine.
Molecular consequence: missense variant.
Genome position (GRCh38, 1-based): chr15:48,421,680, T>C on the plus strand (A>G on the coding strand, the complement: FBN1 is on the minus strand). VCF-style: chr15-48421680-T-C. GRCh37 (hg19) VCF-style: chr15-48713877-T-C.
Other names: p.N2526S:AAT>AGT; NM_000138.5(FBN1):c.7577A>G; p.Asn2526Ser; short protein forms N2526S.
Identifiers: ClinVar variation 200198 (VCV000200198.19), dbSNP rs794728336, ClinGen allele CA017256.

ClinVar aggregate classification (germline): Likely pathogenic. Review status: reviewed by expert panel (3 of 4 stars). 5 submissions from 5 submitters: Likely pathogenic (1). 4 of the submissions do not count toward it. Last evaluated 2023-06-15.

Conditions:
Marfan syndrome (MFS). Also called: MARFAN SYNDROME, TYPE I; FBN1-Related Marfan Syndrome; Marfan syndrome, classic; Marfan syndrome type 1; Marfan's syndrome. Identifiers: Orphanet 284963, Orphanet 558, MedGen C0024796, MONDO:0007947, OMIM 154700.
Familial thoracic aortic aneurysm and aortic dissection (TAAD). Also called: Thoracic aortic aneurysms and dissections. Identifiers: Orphanet 91387, MedGen C4707243, MONDO:0019625.

Allele frequency attached by ClinVar (database versions not stated): gnomAD exomes below 0.00001.
gnomAD v4.1: 1 of 1,613,676 alleles (0.000062%); highest among the groups gnomAD compares: Non-Finnish European, 0.000085%; no homozygotes.

Submissions (5):

ClinGen FBN1 Variant Curation Expert Panel, ClinGen
Classification: Likely pathogenic for Marfan syndrome. Last evaluated: 2023-06-15. Review status: reviewed by expert panel. Criteria: Assertion Criteria VCEP FBN1 Version 1. Collection method: curation. Allele origin: germline. Inheritance: Autosomal dominant inheritance.
Comment: The NM_000138 c.7577A>G variant is a missense variant in FBN1 predicted to cause a substitution of asparagine by serine at position 2526. This variant has been identified in the literature and public and private databases in one proband with a clinical diagnosis of Marfan syndrome and in seven probands with thoracic aortic aneurysm and dissection (TAAD) and/or other features suggestive of Marfan syndrome (PS4; PMID: 17657824, Invitae and GeneDx internal data, ClinVar ID: 200198, UZA internal data). This variant lies in a critical calcium binding site within a calcium-binding EGF domain; however, since asparagine to serine substitutions in these positions might be tolerated (PMID: 31227806) the PM1 criterion has not been used. This variant is not present in gnomAD v2.1.1 or v3.1.2 (PM2_supporting). Computational prediction tools and conservation analysis suggest that this variant may impact the protein structure (PP3; REVEL = 0.821). The constraint z-score for missense variants affecting FBN1 is 5.06 (PP2). In summary, this variant meets criteria to be classified as likely pathogenic for Marfan syndrome based on the ACMG/AMP criteria applied, as specified by the ClinGen FBN1 VCEP: PS4, PM2_supporting, PP2, PP3).

Ambry Genetics
Classification: Uncertain significance for Familial thoracic aortic aneurysm and aortic dissection. Last evaluated: 2026-06-02. Review status: criteria provided, single submitter. Criteria: Ambry Variant Classification Scheme 2023. Collection method: clinical testing. Allele origin: germline. Not counted in ClinVar's aggregate classification.
Comment: The p.N2526S variant (also known as c.7577A>G), located in coding exon 61 of the FBN1 gene, results from an A to G substitution at nucleotide position 7577. The asparagine at codon 2526 is replaced by serine, an amino acid with highly similar properties. This variant was identified in one or more individuals with features consistent with Marfan syndrome or thoracic aortic aneurysm/dissection and segregated with disease in at least one family (Comeglio P et al. Hum Mutat. 2007;28:928; external communication; Ambry internal data). This amino acid position is highly conserved in available vertebrate species. In addition, the in silico prediction for this alteration is inconclusive. Based on the available evidence, the clinical significance of this variant remains unclear.

Labcorp Genetics (formerly Invitae), Labcorp
Classification: Likely pathogenic for Marfan syndrome; Familial thoracic aortic aneurysm and aortic dissection. Last evaluated: 2025-04-26. Review status: criteria provided, single submitter. Criteria: Invitae Variant Classification Sherloc (09022015). Collection method: clinical testing. Allele origin: germline. Not counted in ClinVar's aggregate classification.
Comment: This sequence change replaces asparagine, which is neutral and polar, with serine, which is neutral and polar, at codon 2526 of the FBN1 protein (p.Asn2526Ser). This variant is not present in population databases (gnomAD no frequency). This missense change has been observed in individuals with clinical features of FBN1-related conditions (PMID: 17657824; internal data). ClinVar contains an entry for this variant (Variation ID: 200198). Invitae Evidence Modeling of protein sequence and biophysical properties (such as structural, functional, and spatial information, amino acid conservation, physicochemical variation, residue mobility, and thermodynamic stability) indicates that this missense variant is expected to disrupt FBN1 protein function with a positive predictive value of 95%. In summary, the currently available evidence indicates that the variant is pathogenic, but additional data are needed to prove that conclusively. Therefore, this variant has been classified as Likely Pathogenic.

GeneDx
Classification: Uncertain significance. Last evaluated: 2023-04-11. Review status: criteria provided, single submitter. Criteria: GeneDx Variant Classification Process June 2021. Collection method: clinical testing. Allele origin: germline. Affected: yes. Not counted in ClinVar's aggregate classification.
Comment: Not observed at significant frequency in large population cohorts (gnomAD); In silico analysis supports that this missense variant has a deleterious effect on protein structure/function; This variant is associated with the following publications: (PMID: 17657824, 20591885)

Women's Health and Genetics/Laboratory Corporation of America, LabCorp
Classification: Uncertain significance. Last evaluated: 2022-02-28. Review status: criteria provided, single submitter. Criteria: LabCorp Variant Classification Summary - May 2015. Collection method: clinical testing. Allele origin: germline. Not counted in ClinVar's aggregate classification.
Comment: Variant summary: FBN1 c.7577A>G (p.Asn2526Ser) results in a conservative amino acid change located in the EGF-like domain (IPR000742) of the encoded protein sequence. Four of five in-silico tools predict a damaging effect of the variant on protein function. The variant was absent in 250380 control chromosomes. The available data on variant occurrences in the general population are insufficient to allow any conclusion about variant significance. These data do not allow any conclusion about variant significance. To our knowledge, no experimental evidence demonstrating an impact on protein function has been reported. Three clinical diagnostic laboratories have submitted clinical-significance assessments for this variant to ClinVar after 2014 without evidence for independent evaluation. All laboratories classified the variant as uncertain significance. Based on the evidence outlined above, the variant was classified as uncertain significance.

Literature cited by the submitters: PubMed 17657824 (cited by 3 submitters); PubMed 39741318 (cited by Ambry Genetics).